The following is an entry in ClinVar:

ClinVar aggregate classification (germline): Uncertain significance (1 of 4 stars; one submission).

Conditions:
Beckwith-Wiedemann syndrome (BWS). Also called: Exomphalos macroglossia gigantism syndrome; EMG SYNDROME. Identifiers: Orphanet 116, MedGen C0004903, MONDO:0007534, OMIM 130650.

Submission:

Labcorp Genetics (formerly Invitae), Labcorp
Classification: Uncertain significance for Beckwith-Wiedemann syndrome. Last evaluated: 2024-04-16. Review status: criteria provided, single submitter. Criteria: Invitae Variant Classification Sherloc (09022015). Collection method: clinical testing. Allele origin: germline.
Comment: This sequence change replaces glutamine, which is neutral and polar, with histidine, which is basic and polar, at codon 47 of the CDKN1C protein (p.Gln47His). This variant is not present in population databases (gnomAD no frequency). This variant has not been reported in the literature in individuals affected with CDKN1C-related conditions. ClinVar contains an entry for this variant (Variation ID: 2011722). Advanced modeling of protein sequence and biophysical properties (such as structural, functional, and spatial information, amino acid conservation, physicochemical variation, residue mobility, and thermodynamic stability) performed at Invitae indicates that this missense variant is not expected to disrupt CDKN1C protein function with a negative predictive value of 80%. In summary, the available evidence is currently insufficient to determine the role of this variant in disease. Therefore, it has been classified as a Variant of Uncertain Significance.

NM_001122630.2(CDKN1C):c.108G>T (p.Gln36His)

Gene: CDKN1C (cyclin dependent kinase inhibitor 1C; minus strand). Cytogenetic location: 11p15.4.
Variant type: single nucleotide variant.
Coding change: c.108G>T on transcript NM_001122630.2 (MANE Select); coding-DNA position 108, G replaced by T.
Protein change: p.Gln36His; replaces glutamine 36 with histidine.
Molecular consequence: missense variant.
Genome position (GRCh38, 1-based): chr11:2,885,349, C>A on the plus strand (G>T on the coding strand, the complement: CDKN1C is on the minus strand). VCF-style: chr11-2885349-C-A. GRCh37 (hg19) VCF-style: chr11-2906579-C-A.
Other names: c.141G>T, p.Gln47His (NM_000076.2, NM_001362474.2); c.108G>T, p.Gln36His (NM_001122631.2, NM_001362475.2); short protein forms Q47H, Q36H.
Identifiers: ClinVar variation 2011722 (VCV002011722.4), dbSNP rs1060503856, ClinGen allele CA379147625.
Genomic context (GRCh38, chr11:2,885,349, plus strand): 5'-CTGCTGGAAGTCGTAATCCCAGCGGTTCTGGTCCTCGGCGTTCAGCTCGGCCAGGCGGGC[C>A]TGCAGCTCGCGGCTCAGCTCCTCGTGGTCCACCGGCCCGAAGAGGCTGCGGCAGGCGCTG-3'
Protein context (NP_001116102.1, residues 26-46): VDHEELSREL[Gln36His]ARLAELNAED